The following is an entry in ClinVar:

ClinVar aggregate classification (germline): Pathogenic. Review status: reviewed by expert panel (3 of 4 stars). 11 submissions from 11 submitters: Pathogenic (1). 10 of the submissions do not count toward it. Last evaluated 2016-09-08.

Conditions:
Hereditary breast ovarian cancer syndrome. Also called: Hereditary breast and ovarian cancer syndrome; Hereditary breast and ovarian cancer; Hereditary breast and ovarian cancer syndrome (HBOC); Breast and ovarian cancer; Hereditary breast and/or ovarian cancer syndrome; BRCA1- and BRCA2-Associated Hereditary Breast and Ovarian Cancer. Identifiers: Orphanet 145, MedGen C0677776, MeSH D061325, MONDO:0003582. Disease mechanism: loss of function.
Hereditary cancer-predisposing syndrome. Also called: Neoplastic Syndromes, Hereditary; Tumor predisposition; Hereditary neoplastic syndrome; Hereditary Cancer Syndrome. Identifiers: Orphanet 140162, MedGen C0027672, MeSH D009386, MONDO:0015356.
Familial cancer of breast. Also called: BREAST CANCER, FAMILIAL; Hereditary breast cancer; hereditary breast carcinoma. Identifiers: Orphanet 227535, MedGen C0346153, MONDO:0016419, OMIM 114480. Disease mechanism: loss of function.
Breast-ovarian cancer, familial, susceptibility to, 2 (BROVCA2). Also called: BRCA2 Hereditary Breast and Ovarian Cancer. Identifiers: Orphanet 145, MedGen C2675520, MONDO:0012933, OMIM 612555. Disease mechanism: loss of function.

Submissions (11):

Evidence-based Network for the Interpretation of Germline Mutant Alleles (ENIGMA)
Classification: Pathogenic for Breast-ovarian cancer, familial, susceptibility to, 2. Last evaluated: 2016-09-08. Review status: reviewed by expert panel. Criteria: ENIGMA BRCA1/2 Classification Criteria (2015). Collection method: curation. Allele origin: germline.
Comment: Variant allele predicted to encode a truncated non-functional protein.

Labcorp Genetics (formerly Invitae), Labcorp
Classification: Pathogenic for Hereditary breast ovarian cancer syndrome. Last evaluated: 2025-12-20. Review status: criteria provided, single submitter. Criteria: Invitae Variant Classification Sherloc (09022015). Collection method: clinical testing. Allele origin: germline. Not counted in ClinVar's aggregate classification.
Comment: This sequence change creates a premature translational stop signal (p.Gln2354*) in the BRCA2 gene. It is expected to result in an absent or disrupted protein product. Loss-of-function variants in BRCA2 are known to be pathogenic (PMID: 20104584). This variant is not present in population databases (gnomAD no frequency). This premature translational stop signal has been observed in individual(s) with hereditary breast and ovarian cancer and osteosarcoma (PMID: 12655567, 28655807, 29446198, 29907814). ClinVar contains an entry for this variant (Variation ID: 52261). For these reasons, this variant has been classified as Pathogenic.

Ambry Genetics
Classification: Pathogenic for Hereditary cancer-predisposing syndrome. Last evaluated: 2025-12-11. Review status: criteria provided, single submitter. Criteria: Ambry Variant Classification Scheme 2023. Collection method: clinical testing. Allele origin: germline. Not counted in ClinVar's aggregate classification.
Comment: The p.Q2354* pathogenic mutation (also known as c.7060C>T), located in coding exon 13 of the BRCA2 gene, results from a C to T substitution at nucleotide position 7060. This changes the amino acid from a glutamine to a stop codon within coding exon 13. This mutation has been identified in an early-onset breast cancer family from Spain (Duran M et al, Hum. Mutat. 2003 Apr; 21(4):448). This variant is considered to be rare based on population cohorts in the Genome Aggregation Database (gnomAD). This alteration is expected to result in loss of function by premature protein truncation or nonsense-mediated mRNA decay. As such, this alteration is interpreted as a disease-causing mutation.

Quest Diagnostics Nichols Institute San Juan Capistrano
Classification: Pathogenic. Last evaluated: 2021-07-28. Review status: criteria provided, single submitter. Criteria: Quest Diagnostics criteria. Collection method: clinical testing. Allele origin: unknown. Not counted in ClinVar's aggregate classification.
Comment: This nonsense variant causes the premature termination of BRCA2 protein synthesis. In addition, it has been reported in individuals with breast and pancreatic cancers in the published literature (PMID: 12655567 (2003), 29907814 (2018), 29446198 (2018), 30051098 (2018)). Based on the available information, this variant is classified as pathogenic.

Color Diagnostics, LLC DBA Color Health
Classification: Pathogenic for Hereditary cancer-predisposing syndrome. Last evaluated: 2020-02-28. Review status: criteria provided, single submitter. Criteria: ACMG Guidelines, 2015. Collection method: clinical testing. Allele origin: germline. Not counted in ClinVar's aggregate classification.
Comment: This variant changes 1 nucleotide in exon 14 of the BRCA2 gene, creating a premature translation stop signal. This variant is expected to result in an absent or non-functional protein product. This variant has been reported in one individual each affected with breast, osteosarcoma and pancreatic cancer (PMID: 12655567, 28655807, 30051098). This variant has not been identified in the general population by the Genome Aggregation Database (gnomAD). Loss of BRCA2 function is a known mechanism of disease. Based on the available evidence, this variant is classified as Pathogenic.

Mendelics
Classification: Pathogenic for Hereditary breast and ovarian cancer syndrome. Last evaluated: 2018-07-02. Review status: criteria provided, single submitter. Criteria: Mendelics Assertion Criteria 2017. Collection method: clinical testing. Allele origin: unknown. Not counted in ClinVar's aggregate classification.

GeneDx
Classification: Pathogenic. Last evaluated: 2017-11-03. Review status: criteria provided, single submitter. Criteria: GeneDx Variant Classification (06012015). Collection method: clinical testing. Allele origin: germline. Affected: yes. Not counted in ClinVar's aggregate classification.
Comment: This pathogenic variant is denoted BRCA2 c.7060C>T at the cDNA level and p.Gln2354Ter (Q2354X) at the protein level. The substitution creates a nonsense variant, which changes a Glutamine to a premature stop codon (CAA>TAA), and is predicted to cause loss of normal protein function through either protein truncation or nonsense-mediated mRNA decay. This variant has been reported in association with breast cancer (Duran 2003) and is considered pathogenic.

Consortium of Investigators of Modifiers of BRCA1/2 (CIMBA), c/o University of Cambridge
Classification: Pathogenic for Breast-ovarian cancer, familial, susceptibility to, 2. Last evaluated: 2015-10-02. Review status: criteria provided, single submitter. Criteria: CIMBA Mutation Classification guidelines May 2016. Collection method: clinical testing. Allele origin: germline. Not counted in ClinVar's aggregate classification.

Department of Pediatrics, Memorial Sloan Kettering Cancer Center
Classification: Pathogenic for Familial cancer of breast. Last evaluated: 2016-05-11. Review status: no assertion criteria provided. Collection method: clinical testing. Allele origin: germline. Inheritance: Autosomal dominant inheritance. Affected: no. Observed: 1 variant allele, 1 heterozygote. Not counted in ClinVar's aggregate classification.

Research Molecular Genetics Laboratory, Women's College Hospital, University of Toronto
Classification: Pathogenic for Hereditary breast ovarian cancer syndrome. Last evaluated: 2014-01-31. Review status: no assertion criteria provided. Collection method: research. Allele origin: germline. Affected: yes. Study: The Canadian Open Genetics Repository (COGR). Not counted in ClinVar's aggregate classification.

Breast Cancer Information Core (BIC) (BRCA2)
Classification: Pathogenic for Breast-ovarian cancer, familial 2. Last evaluated: 2004-02-20. Review status: no assertion criteria provided. Collection method: clinical testing. Allele origin: germline. Affected: yes. Observed: 2 variant alleles. Not counted in ClinVar's aggregate classification.

Literature cited by the submitters: PubMed 20104584 (cited by Labcorp Genetics (formerly Invitae), Labcorp); PubMed 12655567 (cited by 3 submitters); PubMed 28655807 (cited by Labcorp Genetics (formerly Invitae), Labcorp and Quest Diagnostics Nichols Institute San Juan Capistrano); PubMed 29446198 (cited by Labcorp Genetics (formerly Invitae), Labcorp and Quest Diagnostics Nichols Institute San Juan Capistrano); PubMed 29907814 (cited by Labcorp Genetics (formerly Invitae), Labcorp and Quest Diagnostics Nichols Institute San Juan Capistrano); PubMed 14684619 (cited by Quest Diagnostics Nichols Institute San Juan Capistrano); PubMed 30051098 (cited by Quest Diagnostics Nichols Institute San Juan Capistrano); PubMed 16758124 (cited by Quest Diagnostics Nichols Institute San Juan Capistrano).

NM_000059.4(BRCA2):c.7060C>T (p.Gln2354Ter)

Gene: BRCA2 (BRCA2 DNA repair associated; plus strand). Cytogenetic location: 13q13.1.
Variant type: single nucleotide variant.
Coding change: c.7060C>T on transcript NM_000059.4 (MANE Select); coding-DNA position 7060, C replaced by T.
Protein change: p.Gln2354Ter; replaces glutamine 2354 with a stop codon.
Molecular consequence: nonsense.
Genome position (GRCh38, 1-based): chr13:32,354,913, C>T. VCF-style: chr13-32354913-C-T. GRCh37 (hg19) VCF-style: chr13-32929050-C-T.
Other names: short protein forms Q2354*.
Identifiers: ClinVar variation 52261 (VCV000052261.27), dbSNP rs80358936, ClinGen allele CA024825.